The following is an entry in ClinVar:

NM_000540.3(RYR1):c.10123G>A (p.Glu3375Lys)

Gene: RYR1 (ryanodine receptor 1; plus strand). Cytogenetic location: 19q13.2.
Variant type: single nucleotide variant.
Coding change: c.10123G>A on transcript NM_000540.3 (MANE Select); coding-DNA position 10123, G replaced by A.
Protein change: p.Glu3375Lys; replaces glutamic acid 3375 with lysine.
Molecular consequence: missense variant.
Genome position (GRCh38, 1-based): chr19:38,519,318, G>A. VCF-style: chr19-38519318-G-A. GRCh37 (hg19) VCF-style: chr19-39009958-G-A.
Other names: c.10123G>A, p.Glu3375Lys (NM_001042723.2); short protein forms E3375K.
Identifiers: ClinVar variation 3436538 (VCV003436538.5).

ClinVar aggregate classification (germline): Uncertain significance. Review status: criteria provided, multiple submitters, no conflicts (2 of 4 stars). 4 submissions from 4 submitters: Uncertain significance (4). Last evaluated 2024-10-01.

Conditions:
Inborn genetic diseases. Identifiers: MedGen C0950123, MeSH D030342.
Malignant hyperthermia, susceptibility to, 1 (MHS1). Also called: Anesthesia related hyperthermia; Malignant hyperpyrexia; Fulminating hyperpyrexia; Pharmacogenic myopathy; RYR1-Related Malignant Hyperthermia Susceptibility; Malignant hyperthermia suceptibility 1. Identifiers: Orphanet 423, MedGen C2930980, MONDO:0007783, OMIM 145600.
RYR1-related disorder. Also called: RYR1-related disorders; RYR1-related condition. Identifiers: MedGen CN239331.

gnomAD v4.1: 14 of 1,613,766 alleles (0.00087%); highest among the groups gnomAD compares: East Asian, 0.0022%; no homozygotes.

Submissions (4):

GeneDx
Classification: Uncertain significance. Last evaluated: 2024-10-01. Review status: criteria provided, single submitter. Criteria: GeneDx Variant Classification Process June 2021. Collection method: clinical testing. Allele origin: germline. Affected: yes.
Comment: Not observed at significant frequency in large population cohorts (gnomAD); In silico analysis supports that this missense variant has a deleterious effect on protein structure/function; Has not been previously published as pathogenic or benign to our knowledge

Ambry Genetics
Classification: Uncertain significance for Inborn genetic diseases. Last evaluated: 2024-08-27. Review status: criteria provided, single submitter. Criteria: Ambry Variant Classification Scheme 2023. Collection method: clinical testing. Allele origin: germline.

Labcorp Genetics (formerly Invitae), Labcorp
Classification: Uncertain significance for RYR1-related disorder. Last evaluated: 2024-08-08. Review status: criteria provided, single submitter. Criteria: Invitae Variant Classification Sherloc (09022015). Collection method: clinical testing. Allele origin: germline.
Comment: This sequence change replaces glutamic acid, which is acidic and polar, with lysine, which is basic and polar, at codon 3375 of the RYR1 protein (p.Glu3375Lys). This variant is present in population databases (rs755974779, gnomAD 0.003%). This variant has not been reported in the literature in individuals affected with RYR1-related conditions. Advanced modeling of protein sequence and biophysical properties (such as structural, functional, and spatial information, amino acid conservation, physicochemical variation, residue mobility, and thermodynamic stability) has been performed at Invitae for this missense variant, however the output from this modeling did not meet the statistical confidence thresholds required to predict the impact of this variant on RYR1 protein function. In summary, the available evidence is currently insufficient to determine the role of this variant in disease. Therefore, it has been classified as a Variant of Uncertain Significance.

Color Diagnostics, LLC DBA Color Health
Classification: Uncertain significance for Malignant hyperthermia, susceptibility to, 1. Last evaluated: 2024-03-06. Review status: criteria provided, single submitter. Criteria: ACMG Guidelines, 2015. Collection method: clinical testing. Allele origin: germline.
Comment: This missense variant replaces glutamic acid with lysine at codon 3375 of the RYR1 protein. Computational prediction tool indicates that this variant may have an uncertain impact on protein structure and function. To our knowledge, functional studies have not been reported for this variant. This variant has not been reported in individuals affected with RYR1-related disorders in the literature. This variant has been identified in 5/281328 chromosomes in the general population by the Genome Aggregation Database (gnomAD). The available evidence is insufficient to determine the role of this variant in disease conclusively. Therefore, this variant is classified as a Variant of Uncertain Significance.